The following is an entry in ClinVar:

NM_000245.4(MET):c.4166C>T (p.Thr1389Ile)

Gene: MET (MET proto-oncogene, receptor tyrosine kinase; plus strand). Cytogenetic location: 7q31.2.
Variant type: single nucleotide variant.
Coding change: c.4166C>T on transcript NM_000245.4 (MANE Select); coding-DNA position 4166, C replaced by T.
Protein change: p.Thr1389Ile; replaces threonine 1389 with isoleucine.
Molecular consequence: missense variant.
Genome position (GRCh38, 1-based): chr7:116,796,117, C>T. VCF-style: chr7-116796117-C-T. GRCh37 (hg19) VCF-style: chr7-116436171-C-T.
Other names: c.4220C>T, p.Thr1407Ile (NM_001127500.3); c.2876C>T, p.Thr959Ile (NM_001324402.2); short protein forms T959I, T1389I, T1407I.
Identifiers: ClinVar variation 1738829 (VCV001738829.2), dbSNP rs1204472220, ClinGen allele CA369118532.
Genomic context (GRCh38, chr7:116,796,117, plus strand): 5'-TGTCATCAGAAGATAACGCTGATGATGAGGTGGACACACGACCAGCCTCCTTCTGGGAGA[C>T]ATCATAGTGCTAGTACTATGTCAAAGCAACAGTCCACACTTTGTCCAATGGTTTTTTCAC-3'
Protein context (NP_000236.2, residues 1379-1390): VDTRPASFWE[Thr1389Ile]S

ClinVar aggregate classification (germline): Uncertain significance (1 of 4 stars; one submission).

Conditions:
Hereditary cancer-predisposing syndrome. Also called: Hereditary Cancer Syndrome; Hereditary neoplastic syndrome; Neoplastic Syndromes, Hereditary; Tumor predisposition. Identifiers: Orphanet 140162, MedGen C0027672, MeSH D009386, MONDO:0015356.

gnomAD v4.1: 3 of 1,613,586 alleles (0.00019%); highest among the groups gnomAD compares: East Asian, 0.0022%; no homozygotes.

Submission:

Ambry Genetics
Classification: Uncertain significance for Hereditary cancer-predisposing syndrome. Last evaluated: 2021-09-10. Review status: criteria provided, single submitter. Criteria: Ambry Variant Classification Scheme 2023. Collection method: clinical testing. Allele origin: germline.
Comment: The p.T1407I variant (also known as c.4220C>T), located in coding exon 20 of the MET gene, results from a C to T substitution at nucleotide position 4220. The threonine at codon 1407 is replaced by isoleucine, an amino acid with similar properties. This amino acid position is not well conserved in available vertebrate species. In addition, this alteration is predicted to be tolerated by in silico analysis. Since supporting evidence is limited at this time, the clinical significance of this alteration remains unclear.